The following is an entry in ClinVar:

NM_002291.3(LAMB1):c.2960C>T (p.Pro987Leu)

Gene: LAMB1 (laminin subunit beta 1; minus strand). Cytogenetic location: 7q31.1.
Variant type: single nucleotide variant.
Coding change: c.2960C>T on transcript NM_002291.3 (MANE Select); coding-DNA position 2960, C replaced by T.
Protein change: p.Pro987Leu; replaces proline 987 with leucine.
Molecular consequence: missense variant.
Genome position (GRCh38, 1-based): chr7:107,953,649, G>A on the plus strand (C>T on the coding strand, the complement: LAMB1 is on the minus strand). VCF-style: chr7-107953649-G-A. GRCh37 (hg19) VCF-style: chr7-107594094-G-A.
Other names: short protein forms P987L.
Identifiers: ClinVar variation 2433381 (VCV002433381.4), dbSNP rs141833232, ClinGen allele CA4435466.

ClinVar aggregate classification (germline): Uncertain significance. Review status: criteria provided, multiple submitters, no conflicts (2 of 4 stars). 2 submissions from 2 submitters: Uncertain significance (2). Last evaluated 2023-07-22.

Conditions:
Cobblestone lissencephaly without muscular or ocular involvement. Also called: Lissencephaly 5; LEUKOENCEPHALOPATHY WITH VARIABLE CORTICAL BRAIN MALFORMATIONS AND/OR HYDROCEPHALUS. Identifiers: Orphanet 352682, MedGen C3554657, MONDO:0014077, OMIM 615191.

Allele frequency attached by ClinVar (database versions not stated): gnomAD exomes 0.00001; ExAC 0.00004; ESP Exome Variant Server 0.00008; gnomAD 0.00001.
gnomAD v4.1: 22 of 1,614,020 alleles (0.0014%); highest among the groups gnomAD compares: South Asian, 0.021%; no homozygotes.

Submissions (2):

Neuberg Centre For Genomic Medicine, NCGM
Classification: Uncertain significance for Cobblestone lissencephaly without muscular or ocular involvement. Last evaluated: 2023-07-22. Review status: criteria provided, single submitter. Criteria: ACMG Guidelines, 2015. Collection method: clinical testing. Allele origin: germline. Inheritance: Autosomal recessive inheritance. Affected: yes.
Comment: The observed missense c.2960C>Tp.Pro987Leu variant in LAMB1 gene has not been reported previously as a pathogenic variant nor as a benign variant, to our knowledge. This variant is reported with the allele frequency of 0% in the gnomAD Exomes. This variant has been reported to the ClinVar database as Uncertain Significance. However, no details are available for independent assessment. The amino acid Pro at position 987 is changed to a Leu changing protein sequence and it might alter its composition and physico-chemical properties. The amino acid change p.Pro987Leu in LAMB1 is predicted as conserved by GERP++ and PhyloP across 100 vertebrates. Multiple lines of computational evidence Polyphen - Possibly Damaging, SIFT - Damaging, and MutationTaster - Disease causing predict a damaging effect on protein structure and function for this variant. For these reasons, this variant has been classified as Uncertain Significance.

Revvity Omics, Revvity
Classification: Uncertain significance for Cobblestone lissencephaly without muscular or ocular involvement. Last evaluated: 2019-03-13. Review status: criteria provided, single submitter. Criteria: ACMG Guidelines, 2015. Collection method: clinical testing. Allele origin: germline.